The following is an entry in ClinVar:

ClinVar aggregate classification (germline): Uncertain significance (1 of 4 stars; one submission).

Submission:

Labcorp Genetics (formerly Invitae), Labcorp
Classification: Uncertain significance. Last evaluated: 2024-06-04. Review status: criteria provided, single submitter. Criteria: Invitae Variant Classification Sherloc (09022015). Collection method: clinical testing. Allele origin: germline.
Comment: This sequence change replaces serine, which is neutral and polar, with phenylalanine, which is neutral and non-polar, at codon 136 of the TBX20 protein (p.Ser136Phe). This variant is not present in population databases (gnomAD no frequency). This variant has not been reported in the literature in individuals affected with TBX20-related conditions. ClinVar contains an entry for this variant (Variation ID: 1359325). Advanced modeling of protein sequence and biophysical properties (such as structural, functional, and spatial information, amino acid conservation, physicochemical variation, residue mobility, and thermodynamic stability) performed at Invitae indicates that this missense variant is expected to disrupt TBX20 protein function with a positive predictive value of 80%. In summary, the available evidence is currently insufficient to determine the role of this variant in disease. Therefore, it has been classified as a Variant of Uncertain Significance.

NM_001077653.2(TBX20):c.407C>T (p.Ser136Phe)

Gene: TBX20 (T-box transcription factor 20; minus strand). Cytogenetic location: 7p14.2.
Variant type: single nucleotide variant.
Coding change: c.407C>T on transcript NM_001077653.2 (MANE Select); coding-DNA position 407, C replaced by T.
Protein change: p.Ser136Phe; replaces serine 136 with phenylalanine.
Molecular consequence: missense variant.
Genome position (GRCh38, 1-based): chr7:35,248,815, G>A on the plus strand (C>T on the coding strand, the complement: TBX20 is on the minus strand). VCF-style: chr7-35248815-G-A. GRCh37 (hg19) VCF-style: chr7-35288427-G-A.
Other names: c.407C>T, p.Ser136Phe (NM_001166220.1); short protein forms S136F.
Identifiers: ClinVar variation 1359325 (VCV001359325.8), dbSNP rs2128715964, ClinGen allele CA367264808.